The following is an entry in ClinVar:

ClinVar aggregate classification (germline): Likely pathogenic (1 of 4 stars; one submission).
ClinVar aggregate classification (oncogenicity): Likely oncogenic (1 of 4 stars; one submission).

Conditions:
Hereditary cancer-predisposing syndrome. Also called: Hereditary neoplastic syndrome; Neoplastic Syndromes, Hereditary; Hereditary Cancer Syndrome; Tumor predisposition. Identifiers: Orphanet 140162, MedGen C0027672, MeSH D009386, MONDO:0015356.
Familial thoracic aortic aneurysm and aortic dissection (TAAD). Also called: Thoracic aortic aneurysms and dissections. Identifiers: Orphanet 91387, MedGen C4707243, MONDO:0019625.
Neoplasm. Also called: tumor; Neoplasms; Neoplasm (disease). Identifiers: MedGen C0027651, MeSH D009369, MONDO:0005070, HP:0002664.

Submissions (2):

Center for Genomic Medicine, Rigshospitalet, Copenhagen University Hospital
Classification: Likely oncogenic for Neoplasm. Last evaluated: 2026-10-16. Review status: criteria provided, single submitter. Criteria: ClinGen/CGC/VICC Guidelines for Oncogenicity, 2022. Collection method: clinical testing. Allele origin: somatic. Affected: yes.

Ambry Genetics
Classification: Likely pathogenic for Hereditary cancer-predisposing syndrome; Familial thoracic aortic aneurysm and aortic dissection. Last evaluated: 2025-11-19. Review status: criteria provided, single submitter. Criteria: Ambry Variant Classification Scheme 2023. Collection method: clinical testing. Allele origin: germline.
Comment: The p.D351H variant (also known as c.1051G>C), located in coding exon 8 of the SMAD4 gene, results from a G to C substitution at nucleotide position 1051. The aspartic acid at codon 351 is replaced by histidine, an amino acid with similar properties. This variant was reported in individual(s) with features consistent with SMAD4-related juvenile polyposis syndrome/ hereditary hemorrhagic telangiectasia (Ambry internal data). This variant is located in the MH2 domain and has been revealed to disrupt the interaction between SMAD proteins critical for TGF&beta; signaling (Shi Y et al. Nature. 1997 Jul;388:87-93; Wu JW et al. J. Biol. Chem. 2001 Jun;276:20688-94; De Bosscher K et al. Biochem. J. 2004 Apr;379:209-16; Qu H et al. Sci Rep. 2016 Sep;6:32628). In addition, a colorectal cancer cell line expressing the mutant did not respond to TGF&beta; in cell cycle arrest or target gene expression (De Bosscher K et al. Biochem. J. 2004 Apr;379:209-16). This variant is considered to be rare based on population cohorts in the Genome Aggregation Database (gnomAD). This amino acid position is highly conserved in available vertebrate species. In addition, this alteration is predicted to be deleterious by in silico analysis. Based on the majority of available evidence to date, this variant is likely to be pathogenic.

Literature cited by the submitters: PubMed 11274206 (cited by Ambry Genetics); PubMed 14715079 (cited by Ambry Genetics); PubMed 27595937 (cited by Ambry Genetics); PubMed 9214508 (cited by Ambry Genetics).

NM_005359.6(SMAD4):c.1051G>C (p.Asp351His)

Gene: SMAD4 (SMAD family member 4; plus strand). Cytogenetic location: 18q21.2.
Variant type: single nucleotide variant.
Coding change: c.1051G>C on transcript NM_005359.6 (MANE Select); coding-DNA position 1051, G replaced by C.
Protein change: p.Asp351His; replaces aspartic acid 351 with histidine.
Molecular consequence: missense variant.
Genome position (GRCh38, 1-based): chr18:51,065,518, G>C. VCF-style: chr18-51065518-G-C. GRCh37 (hg19) VCF-style: chr18-48591888-G-C.
Other names: short protein forms D351H.
Identifiers: ClinVar variation 375998 (VCV000375998.5), dbSNP rs1057519739, ClinGen allele CA16602471.
Genomic context (GRCh38, chr18:51,065,518, plus strand): 5'-ATGGATGTTCAGGTAGGAGAGACATTTAAGGTTCCTTCAAGCTGCCCTATTGTTACTGTT[G>C]ATGGATACGTGGACCCTTCTGGAGGAGATCGCTTTTGTTTGGGTCAACTCTCCAATGTCC-3'
Protein context (NP_005350.1, residues 341-361): VPSSCPIVTV[Asp351His]GYVDPSGGDR